The following is an entry in ClinVar:

NM_003489.4(NRIP1):c.662A>G (p.His221Arg)

Gene: NRIP1 (nuclear receptor interacting protein 1; minus strand). Cytogenetic location: 21q11.2.
Variant type: single nucleotide variant.
Coding change: c.662A>G on transcript NM_003489.4 (MANE Select); coding-DNA position 662, A replaced by G.
Protein change: p.His221Arg; replaces histidine 221 with arginine.
Molecular consequence: missense variant.
Genome position (GRCh38, 1-based): chr21:14,967,531, T>C on the plus strand (A>G on the coding strand, the complement: NRIP1 is on the minus strand). VCF-style: chr21-14967531-T-C. GRCh37 (hg19) VCF-style: chr21-16339852-T-C.
Other names: c.662A>G (NM_003489.3); short protein forms H221R.
Identifiers: ClinVar variation 1590571 (VCV001590571.38), dbSNP rs139263261, ClinGen allele CA9981458.

ClinVar aggregate classification (germline): Benign. Review status: criteria provided, multiple submitters, no conflicts (2 of 4 stars). 4 submissions from 4 submitters: Benign (3). 1 of the submissions does not count toward it. Last evaluated 2026-07-01.

Conditions:
NRIP1-related disorder. Also called: NRIP1-related condition.

Allele frequency attached by ClinVar (database versions not stated): 1000 Genomes Project 30x 0.00609; 1000 Genomes Project 0.00679; ESP Exome Variant Server 0.00777; TOPMed 0.00782; gnomAD 0.00864 and 0.00875; gnomAD exomes 0.01011 and 0.01222; ExAC 0.01036.
gnomAD v4.1: 19,054 of 1,614,146 alleles (1.2%); highest among the groups gnomAD compares: Non-Finnish European, 1.3%; 147 homozygotes.

Submissions (4):

CeGaT Center for Human Genetics Tuebingen
Classification: Benign. Last evaluated: 2026-07-01. Review status: criteria provided, single submitter. Criteria: CeGaT Center For Human Genetics Tuebingen Variant Classification Criteria Version 2. Collection method: clinical testing. Allele origin: germline. Affected: yes. Observed: 3 variant alleles.
Comment: NRIP1: BP4, BS1, BS2

Labcorp Genetics (formerly Invitae), Labcorp
Classification: Benign. Last evaluated: 2026-01-27. Review status: criteria provided, single submitter. Criteria: Invitae Variant Classification Sherloc (09022015). Collection method: clinical testing. Allele origin: germline.

Breakthrough Genomics
Classification: Benign. Review status: criteria provided, single submitter. Criteria: ACMG Guidelines, 2015. Collection method: not provided. Allele origin: germline. Inheritance: Autosomal dominant inheritance. Affected: yes.

PreventionGenetics, part of Exact Sciences
Classification: Benign for NRIP1-related condition. Last evaluated: 2019-09-26. Review status: no assertion criteria provided. Collection method: clinical testing. Allele origin: germline. Not counted in ClinVar's aggregate classification.
Comment: This variant is classified as benign based on ACMG/AMP sequence variant interpretation guidelines (Richards et al. 2015 PMID: 25741868, with internal and published modifications).